The following is an entry in ClinVar:

NM_152564.5(VPS13B):c.5233G>T (p.Glu1745Ter)

Gene: VPS13B (vacuolar protein sorting 13 homolog B; plus strand). Cytogenetic location: 8q22.2.
Variant type: single nucleotide variant.
Coding change: c.5233G>T on transcript NM_152564.5 (MANE Select); coding-DNA position 5233, G replaced by T.
Protein change: p.Glu1745Ter; replaces glutamic acid 1745 with a stop codon.
Molecular consequence: nonsense.
Genome position (GRCh38, 1-based): chr8:99,641,823, G>T. VCF-style: chr8-99641823-G-T. GRCh37 (hg19) VCF-style: chr8-100654051-G-T.
Other names: c.5308G>T, p.Glu1770Ter (NM_017890.5); short protein forms E1745*, E1770*.
Identifiers: ClinVar variation 2977595 (VCV002977595.3), dbSNP rs1279522825, ClinGen allele CA371872104.

ClinVar aggregate classification (germline): Pathogenic (1 of 4 stars; one submission).

Conditions:
Cohen syndrome (COH1). Also called: Cutis verticis gyrata, retinitis pigmentosa, and sensorineural deafness; PEPPER SYNDROME. Identifiers: Orphanet 193, MedGen C0265223, MONDO:0008999, OMIM 216550.

Allele frequency attached by ClinVar (database versions not stated): TOPMed 0.00001.

Submission:

Labcorp Genetics (formerly Invitae), Labcorp
Classification: Pathogenic for Cohen syndrome. Last evaluated: 2024-01-07. Review status: criteria provided, single submitter. Criteria: Invitae Variant Classification Sherloc (09022015). Collection method: clinical testing. Allele origin: germline.
Comment: This sequence change creates a premature translational stop signal (p.Glu1770*) in the VPS13B gene. It is expected to result in an absent or disrupted protein product. Loss-of-function variants in VPS13B are known to be pathogenic (PMID: 15141358, 16648375, 20461111). This variant is not present in population databases (gnomAD no frequency). This variant has not been reported in the literature in individuals affected with VPS13B-related conditions. For these reasons, this variant has been classified as Pathogenic.

Literature cited by the submitters: PubMed 15141358; PubMed 16648375; PubMed 20461111.